The following is an entry in ClinVar:

NM_001267550.2(TTN):c.3730-5C>T

Genes: TTN (titin; minus strand), LOC101927055 (uncharacterized LOC101927055; plus strand). Cytogenetic location: 2q31.2.
Variant type: single nucleotide variant.
Coding change: c.3730-5C>T on transcript NM_001267550.2 (MANE Select); 5 bases into the intron before coding-DNA position 3730, C replaced by T.
Molecular consequence: intron variant.
Genome position (GRCh38, 1-based): chr2:178,779,467, G>A on the plus strand (C>T on the coding strand, the complement: TTN is on the minus strand). VCF-style: chr2-178779467-G-A. GRCh37 (hg19) VCF-style: chr2-179644194-G-A.
Other names: c.3592-5C>T (NM_003319.4, NM_133437.4, NM_133432.3); c.3730-5C>T (NM_133378.4, NM_001256850.1, NM_133379.5).
Identifiers: ClinVar variation 793751 (VCV000793751.11), dbSNP rs1574709001, ClinGen allele CA915942202.

ClinVar aggregate classification (germline): Conflicting classifications of pathogenicity. Review status: criteria provided, conflicting classifications (1 of 4 stars). 2 submissions from 2 submitters: Uncertain significance (1); Likely benign (1). Last evaluated 2022-05-03.

Conditions:
Dilated cardiomyopathy 1G (CMD1G). Identifiers: Orphanet 154, MedGen C1858763, MONDO:0011400, OMIM 604145.
Autosomal recessive limb-girdle muscular dystrophy type 2J (LGMDR10). Also called: MUSCULAR DYSTROPHY, LIMB-GIRDLE, AUTOSOMAL RECESSIVE 10; Limb-girdle muscular dystrophy, type 2J. Identifiers: Orphanet 140922, MedGen C1837342, MONDO:0012127, OMIM 608807.
Cardiovascular phenotype. Identifiers: MedGen CN230736.

Submissions (2):

Ambry Genetics
Classification: Uncertain significance for Cardiovascular phenotype. Last evaluated: 2022-05-03. Review status: criteria provided, single submitter. Criteria: Ambry Variant Classification Scheme 2023. Collection method: clinical testing. Allele origin: germline.
Comment: The c.3592-5C>T intronic variant results from a C to T substitution 5 nucleotides upstream from coding exon 21 in the TTN gene. This nucleotide position is well conserved in available vertebrate species. In silico splice site analysis predicts that this alteration will not have any significant effect on splicing. Since supporting evidence is limited at this time, the clinical significance of this alteration remains unclear.

Labcorp Genetics (formerly Invitae), Labcorp
Classification: Likely benign for Dilated cardiomyopathy 1G; Autosomal recessive limb-girdle muscular dystrophy type 2J. Last evaluated: 2022-01-14. Review status: criteria provided, single submitter. Criteria: Invitae Variant Classification Sherloc (09022015). Collection method: clinical testing. Allele origin: germline.